The following is an entry in ClinVar:

NM_020207.7(ERCC6L2):c.2336G>T (p.Ser779Ile)

Gene: ERCC6L2 (ERCC excision repair 6 like 2; plus strand). Cytogenetic location: 9q22.32.
Variant type: single nucleotide variant.
Coding change: c.2336G>T on transcript NM_020207.7 (MANE Select); coding-DNA position 2336, G replaced by T.
Protein change: p.Ser779Ile; replaces serine 779 with isoleucine.
Molecular consequence: missense variant. On other transcripts: non-coding transcript variant (1).
Genome position (GRCh38, 1-based): chr9:95,972,087, G>T. VCF-style: chr9-95972087-G-T. GRCh37 (hg19) VCF-style: chr9-98734369-G-T.
Other names: c.2336G>T, p.Ser779Ile (NM_001375291.1, NM_001375292.1, NM_001375293.1 and 1 more transcripts); short protein forms S779I.
Identifiers: ClinVar variation 1485473 (VCV001485473.6), dbSNP rs2133078414, ClinGen allele CA2573144787.
Genomic context (GRCh38, chr9:95,972,087, plus strand): 5'-ATGAAGAGCCAGTGGGAGCCACAGGAATAAAGACTGCCAAAAACAAAGCACCCGATTCAA[G>T]TAAAGCTTCCAGCTCTCCAGGACAGCTTACCTTACTCCAGTGTGGTTTCTCGAAATTGCT-3'
Protein context (NP_064592.3, residues 769-789): KTAKNKAPDS[Ser779Ile]KASSSPGQLT

ClinVar aggregate classification (germline): Uncertain significance (1 of 4 stars; one submission).

gnomAD v4.1: 1 of 1,304,258 alleles (0.000077%); highest among the groups gnomAD compares: Non-Finnish European, 0.0001%; no homozygotes.

Submission:

Labcorp Genetics (formerly Invitae), Labcorp
Classification: Uncertain significance. Last evaluated: 2022-09-13. Review status: criteria provided, single submitter. Criteria: Invitae Variant Classification Sherloc (09022015). Collection method: clinical testing. Allele origin: germline.
Comment: ClinVar contains an entry for this variant (Variation ID: 1485473). This sequence change replaces serine, which is neutral and polar, with isoleucine, which is neutral and non-polar, at codon 790 of the ERCC6L2 protein (p.Ser790Ile). This variant is not present in population databases (gnomAD no frequency). This variant has not been reported in the literature in individuals affected with ERCC6L2-related conditions. Algorithms developed to predict the effect of missense changes on protein structure and function are either unavailable or do not agree on the potential impact of this missense change (SIFT: "Deleterious"; PolyPhen-2: "Not Available"; Align-GVGD: "Class C0"). In summary, the available evidence is currently insufficient to determine the role of this variant in disease. Therefore, it has been classified as a Variant of Uncertain Significance.